The following is an entry in ClinVar:

Conditions:
Long QT syndrome 5 (LQT5). Identifiers: Orphanet 101016, Orphanet 768, MedGen C1867904, MONDO:0013372, OMIM 613695.

Submission:

Roden Lab, Vanderbilt University Medical Center
No classification provided (evidence only). Condition: Long QT syndrome 5. Review status: no classification provided. Collection method: in vitro. Allele origin: not applicable. Functional consequence: Effect on ion channel function.
ClinVar note: "not provided" was previously submitted as the classification for the variant. However, the classification appeared to be based only on an observation of functional data so it was converted to no classification on 2025-07-30.

NM_000219.6(KCNE1):c.372G>T (p.Glu124Asp)

Gene: KCNE1 (potassium voltage-gated channel subfamily E regulatory subunit 1; minus strand). Cytogenetic location: 21q22.12.
Variant type: single nucleotide variant.
Coding change: c.372G>T on transcript NM_000219.6 (MANE Select); coding-DNA position 372, G replaced by T.
Protein change: p.Glu124Asp; replaces glutamic acid 124 with aspartic acid.
Molecular consequence: missense variant.
Genome position (GRCh38, 1-based): chr21:34,449,263, C>A on the plus strand (G>T on the coding strand, the complement: KCNE1 is on the minus strand). VCF-style: chr21-34449263-C-A. GRCh37 (hg19) VCF-style: chr21-35821561-C-A.
Other names: c.372G>T, p.Glu124Asp (NM_001127668.4, NM_001127669.4, NM_001127670.4 and 4 more transcripts); short protein forms E124D.
Identifiers: ClinVar variation 3373848 (VCV003373848.2).
Genomic context (GRCh38, chr21:34,449,263, plus strand): 5'-GTTGCCAGGCAGGATGTGTCCAGTTTTAGCCAGTGGTGGGGTTCATGGGGAAGGCTTCGT[C>A]TCAGGAAGGTGTGTGTTGGGTTGTTCTATGGCCAGATGGTTTTCAACGACATAGCACGAC-3'
Protein context (NP_000210.2, residues 114-129): AIEQPNTHLP[Glu124Asp]TKPSP